The following is an entry in ClinVar:

NM_001365902.3(NFIX):c.166_168del (p.Val56del)

Gene: NFIX (nuclear factor I X; plus strand). Cytogenetic location: 19p13.13.
Variant type: Deletion.
Coding change: c.166_168del on transcript NM_001365902.3 (MANE Select); coding-DNA positions 166 to 168, 3 bases deleted (GTG; older notation c.166_168delGTG).
Protein change: p.Val56del; deletes valine 56.
Molecular consequence: inframe deletion.
Genome position (GRCh38, 1-based): chr19:13,025,159-13,025,161, GTG deleted; deleting any 3 consecutive bases within chr19:13,025,158-13,025,161 gives the same sequence; the c. name uses the placement nearest the transcript's 3' end. VCF-style (leftmost placement, unchanged base first): chr19-13025157-CGGT-C. GRCh37 (hg19) VCF-style: chr19-13135971-CGGT-C.
Other names: c.190_192del, p.Val64del (NM_001271043.2); c.142_144del, p.Val48del (NM_001271044.3, NM_001378404.1, NM_001440616.1 and 1 more transcripts); c.166_168del, p.Val56del (NM_001365982.2, NM_002501.4); c.25_27del, p.Val9del (NM_001365983.2); c.163_165del, p.Val55del (NM_001365984.2, NM_001365985.2); c.214_216del, p.Val72del (NM_001378405.1); short protein forms V48del, V55del, V56del, V64del, V72del, V9del.
Identifiers: ClinVar variation 4074588 (VCV004074588.1).
Genomic context (GRCh38, chr19:13,025,157, plus strand): 5'-CGCGGAAGCGCAAGTACTTCAAGAAGCATGAAAAGCGGATGTCGAAGGACGAGGAGCGGG[CGGT>C]GAAGGACGAGCTGCTGGGCGAGAAGCCCGAGATCAAGCAGAAGTGGGCATCCCGGCTGCT-3'

ClinVar aggregate classification (germline): Uncertain significance (1 of 4 stars; one submission).

Submission:

GeneDx
Classification: Uncertain significance. Last evaluated: 2025-02-06. Review status: criteria provided, single submitter. Criteria: GeneDx Variant Classification Process June 2021. Collection method: clinical testing. Allele origin: germline. Affected: yes.
Comment: Not observed at significant frequency in large population cohorts (gnomAD); In-frame deletion of 1 amino acid in a non-repeat region; In silico analysis supports a deleterious effect on protein structure/function; Has not been previously published as pathogenic or benign to our knowledge